The following is an entry in ClinVar:

NM_015910.7(WDPCP):c.2083A>G (p.Ile695Val)

Gene: WDPCP (WD repeat containing planar cell polarity effector; minus strand). Cytogenetic location: 2p15.
Variant type: single nucleotide variant.
Coding change: c.2083A>G on transcript NM_015910.7 (MANE Select); coding-DNA position 2083, A replaced by G.
Protein change: p.Ile695Val; replaces isoleucine 695 with valine.
Molecular consequence: missense variant. On other transcripts: non-coding transcript variant (3).
Genome position (GRCh38, 1-based): chr2:63,153,570, T>C on the plus strand (A>G on the coding strand, the complement: WDPCP is on the minus strand). VCF-style: chr2-63153570-T-C. GRCh37 (hg19) VCF-style: chr2-63380705-T-C.
Other names: c.1606A>G, p.Ile536Val (NM_001042692.3); c.2011A>G, p.Ile671Val (NM_001354044.2); short protein forms I536V, I671V, I695V.
Identifiers: ClinVar variation 2194352 (VCV002194352.1), dbSNP rs1672026162, ClinGen allele CA347061389.

ClinVar aggregate classification (germline): Uncertain significance (1 of 4 stars; one submission).

Conditions:
Bardet-Biedl syndrome (BBS). Identifiers: Orphanet 110, MedGen C0752166, MONDO:0015229.

Allele frequency attached by ClinVar (database versions not stated): TOPMed below 0.00001.

Submission:

Labcorp Genetics (formerly Invitae), Labcorp
Classification: Uncertain significance for Bardet-Biedl syndrome. Last evaluated: 2022-07-05. Review status: criteria provided, single submitter. Criteria: Invitae Variant Classification Sherloc (09022015). Collection method: clinical testing. Allele origin: germline.
Comment: This sequence change replaces isoleucine, which is neutral and non-polar, with valine, which is neutral and non-polar, at codon 695 of the WDPCP protein (p.Ile695Val). This variant is not present in population databases (gnomAD no frequency). This variant has not been reported in the literature in individuals affected with WDPCP-related conditions. Algorithms developed to predict the effect of missense changes on protein structure and function output the following: SIFT: "Tolerated"; PolyPhen-2: "Benign"; Align-GVGD: "Class C0". The valine amino acid residue is found in multiple mammalian species, which suggests that this missense change does not adversely affect protein function. In summary, the available evidence is currently insufficient to determine the role of this variant in disease. Therefore, it has been classified as a Variant of Uncertain Significance.